The following is an entry in ClinVar:

NM_001376.5(DYNC1H1):c.11974C>G (p.Leu3992Val)

Gene: DYNC1H1 (dynein cytoplasmic 1 heavy chain 1; plus strand). Cytogenetic location: 14q32.31.
Variant type: single nucleotide variant.
Coding change: c.11974C>G on transcript NM_001376.5 (MANE Select); coding-DNA position 11974, C replaced by G.
Protein change: p.Leu3992Val; replaces leucine 3992 with valine.
Molecular consequence: missense variant.
Genome position (GRCh38, 1-based): chr14:102,041,606, C>G. VCF-style: chr14-102041606-C-G. GRCh37 (hg19) VCF-style: chr14-102507943-C-G.
Other names: short protein forms L3992V.
Identifiers: ClinVar variation 2863234 (VCV002863234.3), dbSNP rs2503855600, ClinGen allele CA391037632.

ClinVar aggregate classification (germline): Uncertain significance (1 of 4 stars; one submission).

Conditions:
Charcot-Marie-Tooth disease axonal type 2O. Also called: CHARCOT-MARIE-TOOTH NEUROPATHY, AXONAL, TYPE 2O; CHARCOT-MARIE-TOOTH DISEASE, AXONAL, AUTOSOMAL DOMINANT, TYPE 2O; Charcot-Marie-Tooth Neuropathy Type 2O; Charcot-Marie-Tooth disease, axonal, type 20. Identifiers: Orphanet 284232, MedGen C3280220, MONDO:0013644, OMIM 614228.

Submission:

Labcorp Genetics (formerly Invitae), Labcorp
Classification: Uncertain significance for Charcot-Marie-Tooth disease axonal type 2O. Last evaluated: 2023-05-11. Review status: criteria provided, single submitter. Criteria: Invitae Variant Classification Sherloc (09022015). Collection method: clinical testing. Allele origin: germline.
Comment: This sequence change replaces leucine, which is neutral and non-polar, with valine, which is neutral and non-polar, at codon 3992 of the DYNC1H1 protein (p.Leu3992Val). This variant is not present in population databases (gnomAD no frequency). This variant has not been reported in the literature in individuals affected with DYNC1H1-related conditions. Advanced modeling of protein sequence and biophysical properties (such as structural, functional, and spatial information, amino acid conservation, physicochemical variation, residue mobility, and thermodynamic stability) performed at Invitae indicates that this missense variant is not expected to disrupt DYNC1H1 protein function. In summary, the available evidence is currently insufficient to determine the role of this variant in disease. Therefore, it has been classified as a Variant of Uncertain Significance.